The following is an entry in ClinVar:

ClinVar aggregate classification (germline): Benign (1 of 4 stars; one submission).

Submission:

CeGaT Center for Human Genetics Tuebingen
Classification: Benign. Last evaluated: 2024-02-01. Review status: criteria provided, single submitter. Criteria: CeGaT Center For Human Genetics Tuebingen Variant Classification Criteria Version 2. Collection method: clinical testing. Allele origin: germline. Affected: yes. Observed: 2 variant alleles.
Comment: BICRA: BS1, BS2

NM_001394372.1(BICRA):c.2195_2206dup (p.Pro735_Ala736insAspProAlaPro)

Gene: BICRA (BRD4 interacting chromatin remodeling complex associated protein; plus strand). Cytogenetic location: 19q13.33.
Variant type: Duplication.
Coding change: c.2195_2206dup on transcript NM_001394372.1 (MANE Select); coding-DNA positions 2195 to 2206, 12 bases duplicated (ACCCAGCCCCAG).
Protein change: p.Pro735_Ala736insAspProAlaPro.
Molecular consequence: inframe insertion.
Genome position (GRCh38, 1-based): chr19:47,682,064-47,682,075, ACCCAGCCCCAG duplicated; duplicating any 12 consecutive bases within chr19:47,682,062-47,682,075 gives the same sequence; the c. name uses the placement nearest the transcript's 3' end. VCF-style (leftmost placement, unchanged base first): chr19-47682061-A-AAGACCCAGCCCC. GRCh37 (hg19) VCF-style: chr19-48185318-A-AAGACCCAGCCCC.
Other names: c.2195_2206dup, p.Pro735_Ala736insAspProAlaPro (NM_015711.3).
Identifiers: ClinVar variation 2650172 (VCV002650172.24), dbSNP rs534589113, ClinGen allele CA9541859.